The following is an entry in ClinVar:

ClinVar aggregate classification (germline): Uncertain significance (1 of 4 stars; one submission).

Conditions:
EGFR-related lung cancer (EGFR). Identifiers: MedGen CN130014.

Submission:

Labcorp Genetics (formerly Invitae), Labcorp
Classification: Uncertain significance for EGFR-related lung cancer. Last evaluated: 2024-05-28. Review status: criteria provided, single submitter. Criteria: Invitae Variant Classification Sherloc (09022015). Collection method: clinical testing. Allele origin: germline.
Comment: This sequence change replaces histidine, which is basic and polar, with arginine, which is basic and polar, at codon 418 of the EGFR protein (p.His418Arg). This variant is not present in population databases (gnomAD no frequency). This variant has not been reported in the literature in individuals affected with EGFR-related conditions. ClinVar contains an entry for this variant (Variation ID: 938622). Advanced modeling of protein sequence and biophysical properties (such as structural, functional, and spatial information, amino acid conservation, physicochemical variation, residue mobility, and thermodynamic stability) performed at Invitae indicates that this missense variant is not expected to disrupt EGFR protein function with a negative predictive value of 80%. In summary, the available evidence is currently insufficient to determine the role of this variant in disease. Therefore, it has been classified as a Variant of Uncertain Significance.

NM_005228.5(EGFR):c.1253A>G (p.His418Arg)

Gene: EGFR (epidermal growth factor receptor; plus strand). Cytogenetic location: 7p11.2.
Variant type: single nucleotide variant.
Coding change: c.1253A>G on transcript NM_005228.5 (MANE Select); coding-DNA position 1253, A replaced by G.
Protein change: p.His418Arg; replaces histidine 418 with arginine.
Molecular consequence: missense variant.
Genome position (GRCh38, 1-based): chr7:55,157,708, A>G. VCF-style: chr7-55157708-A-G. GRCh37 (hg19) VCF-style: chr7-55225401-A-G.
Other names: c.1118A>G, p.His373Arg (NM_001346897.2, NM_001346899.2); c.1253A>G, p.His418Arg (NM_001346898.2, NM_201282.2, NM_201284.2); c.1094A>G, p.His365Arg (NM_001346900.2); c.452A>G, p.His151Arg (NM_001346941.2); short protein forms H151R, H365R, H418R, H373R.
Identifiers: ClinVar variation 938622 (VCV000938622.9), dbSNP rs1785499626, ClinGen allele CA367579190.